The following is an entry in ClinVar:

NM_001356.5(DDX3X):c.1415A>C (p.His472Pro)

Gene: DDX3X (DEAD-box helicase 3 X-linked; plus strand). Cytogenetic location: Xp11.4.
Variant type: single nucleotide variant.
Coding change: c.1415A>C on transcript NM_001356.5 (MANE Select); coding-DNA position 1415, A replaced by C.
Protein change: p.His472Pro; replaces histidine 472 with proline.
Molecular consequence: missense variant. On other transcripts: non-coding transcript variant (1).
Genome position (GRCh38, 1-based): chrX:41,346,328, A>C. VCF-style: chrX-41346328-A-C. GRCh37 (hg19) VCF-style: chrX-41205581-A-C.
Other names: c.1415A>C, p.His472Pro (NM_001193416.3); c.1367A>C, p.His456Pro (NM_001193417.3); c.857A>C, p.His286Pro (NM_001363819.1); short protein forms H286P, H456P, H472P.
Identifiers: ClinVar variation 985078 (VCV000985078.6), dbSNP rs2063923221, ClinGen allele CA412775194.

ClinVar aggregate classification (germline): Pathogenic/Likely pathogenic. Review status: criteria provided, multiple submitters, no conflicts (2 of 4 stars). 2 submissions from 2 submitters: Pathogenic (1); Likely pathogenic (1). Last evaluated 2025-08-07.

Conditions:
Inborn genetic diseases. Identifiers: MedGen C0950123, MeSH D030342.

Submissions (2):

GeneDx
Classification: Pathogenic. Last evaluated: 2025-08-07. Review status: criteria provided, single submitter. Criteria: GeneDx Variant Classification Process June 2021. Collection method: clinical testing. Allele origin: germline. Affected: yes.
Comment: Not observed at significant frequency in large population cohorts (gnomAD); In silico analysis supports that this missense variant has a deleterious effect on protein structure/function; Has not been previously published as pathogenic or benign to our knowledge

Ambry Genetics
Classification: Likely pathogenic for Inborn genetic diseases. Last evaluated: 2017-08-01. Review status: criteria provided, single submitter. Criteria: Ambry exome assertion method (8-5-2015). Collection method: clinical testing. Allele origin: germline. Affected: yes. Observed: 1 variant allele.